The following is an entry in ClinVar:

NM_002471.4(MYH6):c.1441T>A (p.Phe481Ile)

Gene: MYH6 (myosin heavy chain 6; minus strand). Cytogenetic location: 14q11.2.
Variant type: single nucleotide variant.
Coding change: c.1441T>A on transcript NM_002471.4 (MANE Select); coding-DNA position 1441, T replaced by A.
Protein change: p.Phe481Ile; replaces phenylalanine 481 with isoleucine.
Molecular consequence: missense variant.
Genome position (GRCh38, 1-based): chr14:23,400,396, A>T on the plus strand (T>A on the coding strand, the complement: MYH6 is on the minus strand). VCF-style: chr14-23400396-A-T. GRCh37 (hg19) VCF-style: chr14-23869605-A-T.
Other names: short protein forms F481I.
Identifiers: ClinVar variation 1430424 (VCV001430424.8), dbSNP rs1332933521, ClinGen allele CA389023011.

ClinVar aggregate classification (germline): Uncertain significance (1 of 4 stars; one submission).

Conditions:
Hypertrophic cardiomyopathy 14. Identifiers: MedGen C2750467, MONDO:0013197, OMIM 613251.

Allele frequency attached by ClinVar (database versions not stated): gnomAD 0.00001; TOPMed 0.00001.

Submission:

Labcorp Genetics (formerly Invitae), Labcorp
Classification: Uncertain significance for Hypertrophic cardiomyopathy 14. Last evaluated: 2021-01-05. Review status: criteria provided, single submitter. Criteria: Invitae Variant Classification Sherloc (09022015). Collection method: clinical testing. Allele origin: germline.
Comment: In summary, the available evidence is currently insufficient to determine the role of this variant in disease. Therefore, it has been classified as a Variant of Uncertain Significance. Algorithms developed to predict the effect of missense changes on protein structure and function are either unavailable or do not agree on the potential impact of this missense change (SIFT: "Deleterious"; PolyPhen-2: "Benign"; Align-GVGD: "Class C0"). This variant has not been reported in the literature in individuals with MYH6-related conditions. This variant is not present in population databases (ExAC no frequency). This sequence change replaces phenylalanine with isoleucine at codon 481 of the MYH6 protein (p.Phe481Ile). The phenylalanine residue is weakly conserved and there is a small physicochemical difference between phenylalanine and isoleucine.